The following is an entry in ClinVar:

ClinVar aggregate classification (germline): Uncertain significance. Review status: criteria provided, multiple submitters, no conflicts (2 of 4 stars). 2 submissions from 2 submitters: Uncertain significance (2). Last evaluated 2026-01-17.

Conditions:
Agammaglobulinemia 2, autosomal recessive (AGM2). Also called: AGAMMAGLOBULINEMIA, AUTOSOMAL RECESSIVE, DUE TO IGLL1 DEFECT. Identifiers: MedGen C3150750, MONDO:0013287, OMIM 613500.

Allele frequency attached by ClinVar (database versions not stated): ExAC 0.00003; TOPMed 0.00003; ESP Exome Variant Server 0.00008.
gnomAD v4.1: 43 of 1,613,928 alleles (0.0027%); highest among the groups gnomAD compares: Middle Eastern, 0.033%; 1 homozygote.

Submissions (2):

Labcorp Genetics (formerly Invitae), Labcorp
Classification: Uncertain significance for Agammaglobulinemia 2, autosomal recessive. Last evaluated: 2026-01-17. Review status: criteria provided, single submitter. Criteria: Invitae Variant Classification Sherloc (09022015). Collection method: clinical testing. Allele origin: germline.
Comment: This sequence change replaces threonine, which is neutral and polar, with methionine, which is neutral and non-polar, at codon 164 of the IGLL1 protein (p.Thr164Met). This variant is present in population databases (rs141766631, gnomAD 0.05%). This variant has not been reported in the literature in individuals affected with IGLL1-related conditions. ClinVar contains an entry for this variant (Variation ID: 2156375). An algorithm developed to predict the effect of missense changes on protein structure and function (PolyPhen-2) suggests that this variant is likely to be tolerated. In summary, the available evidence is currently insufficient to determine the role of this variant in disease. Therefore, it has been classified as a Variant of Uncertain Significance.

Ambry Genetics
Classification: Uncertain significance. Last evaluated: 2025-08-13. Review status: criteria provided, single submitter. Criteria: Ambry Variant Classification Scheme 2023. Collection method: clinical testing. Allele origin: germline.

NM_020070.4(IGLL1):c.491C>T (p.Thr164Met)

Gene: IGLL1 (immunoglobulin lambda like polypeptide 1; minus strand). Cytogenetic location: 22q11.23.
Variant type: single nucleotide variant.
Coding change: c.491C>T on transcript NM_020070.4 (MANE Select); coding-DNA position 491, C replaced by T.
Protein change: p.Thr164Met; replaces threonine 164 with methionine.
Molecular consequence: missense variant. On other transcripts: 3 prime UTR variant (1).
Genome position (GRCh38, 1-based): chr22:23,573,417, G>A on the plus strand (C>T on the coding strand, the complement: IGLL1 is on the minus strand). VCF-style: chr22-23573417-G-A. GRCh37 (hg19) VCF-style: chr22-23915604-G-A.
Other names: c.494C>T, p.Thr165Met (NM_001369906.1); c.*120C>T (NM_152855.3); short protein forms T165M, T164M.
Identifiers: ClinVar variation 2156375 (VCV002156375.7), dbSNP rs141766631, ClinGen allele CA10143253.